The following is an entry in ClinVar:

NM_005732.4(RAD50):c.3116A>G (p.Lys1039Arg)

Gene: RAD50 (RAD50 double strand break repair protein; plus strand). Cytogenetic location: 5q31.1.
Variant type: single nucleotide variant.
Coding change: c.3116A>G on transcript NM_005732.4 (MANE Select); coding-DNA position 3116, A replaced by G.
Protein change: p.Lys1039Arg; replaces lysine 1039 with arginine.
Molecular consequence: missense variant.
Genome position (GRCh38, 1-based): chr5:132,616,082, A>G. VCF-style: chr5-132616082-A-G. GRCh37 (hg19) VCF-style: chr5-131951774-A-G.
Other names: short protein forms K1039R.
Identifiers: ClinVar variation 2991622 (VCV002991622.3), dbSNP rs1751169918, ClinGen allele CA360963713.
Genomic context (GRCh38, chr5:132,616,082, plus strand): 5'-AAGATAACCTTACTTTAAGAAAAAGAAATGAGGAACTAAAAGAAGTTGAAGAAGAAAGAA[A>G]ACAACATTTGAAGGAAATGGGTCAAATGCAGGTTTTGCAAATGAAAAGGTATGCTTTTAA-3'
Protein context (NP_005723.2, residues 1029-1049): EELKEVEEER[Lys1039Arg]QHLKEMGQMQ

ClinVar aggregate classification (germline): Uncertain significance (1 of 4 stars; one submission).

Conditions:
Hereditary cancer-predisposing syndrome. Also called: Hereditary Cancer Syndrome; Hereditary neoplastic syndrome; Neoplastic Syndromes, Hereditary; Tumor predisposition. Identifiers: Orphanet 140162, MedGen C0027672, MeSH D009386, MONDO:0015356.

Allele frequency attached by ClinVar (database versions not stated): gnomAD 0.00001; TOPMed 0.00001.
gnomAD v4.1: 1 of 1,613,176 alleles (0.000062%); highest among the groups gnomAD compares: Non-Finnish European, 0.000085%; no homozygotes.

Submission:

Labcorp Genetics (formerly Invitae), Labcorp
Classification: Uncertain significance for Hereditary cancer-predisposing syndrome. Last evaluated: 2022-12-22. Review status: criteria provided, single submitter. Criteria: Invitae Variant Classification Sherloc (09022015). Collection method: clinical testing. Allele origin: germline.
Comment: This sequence change replaces lysine, which is basic and polar, with arginine, which is basic and polar, at codon 1039 of the RAD50 protein (p.Lys1039Arg). This variant is not present in population databases (gnomAD no frequency). This variant has not been reported in the literature in individuals affected with RAD50-related conditions. Advanced modeling of protein sequence and biophysical properties (such as structural, functional, and spatial information, amino acid conservation, physicochemical variation, residue mobility, and thermodynamic stability) performed at Invitae indicates that this missense variant is not expected to disrupt RAD50 protein function. In summary, the available evidence is currently insufficient to determine the role of this variant in disease. Therefore, it has been classified as a Variant of Uncertain Significance.